The following is an entry in ClinVar:

NM_000535.7(PMS2):c.575G>T (p.Cys192Phe)

Gene: PMS2 (PMS1 homolog 2, mismatch repair system component; minus strand). Cytogenetic location: 7p22.1.
Variant type: single nucleotide variant.
Coding change: c.575G>T on transcript NM_000535.7 (MANE Select); coding-DNA position 575, G replaced by T.
Protein change: p.Cys192Phe; replaces cysteine 192 with phenylalanine.
Molecular consequence: missense variant. On other transcripts: non-coding transcript variant (1), intron variant (3).
Genome position (GRCh38, 1-based): chr7:5,999,238, C>A on the plus strand (G>T on the coding strand, the complement: PMS2 is on the minus strand). VCF-style: chr7-5999238-C-A. GRCh37 (hg19) VCF-style: chr7-6038869-C-A.
Other names: c.170G>T, p.Cys57Phe (NM_001018040.1, NM_001322003.2, NM_001322004.2 and 22 more transcripts); c.575G>T, p.Cys192Phe (NM_001322006.2, NM_001322014.2, NM_001406869.1 and 5 more transcripts); c.257G>T, p.Cys86Phe (NM_001322007.2, NM_001322008.2, NM_001406876.1 and 4 more transcripts); c.266G>T, p.Cys89Phe (NM_001322015.2, NM_001406875.1, NM_001406877.1 and 6 more transcripts); c.761G>T, p.Cys254Phe (NM_001406866.1); c.599G>T, p.Cys200Phe (NM_001406868.1); c.133-1815G>T (NM_001322013.2); c.-347-12G>T (NM_001322012.2, NM_001322011.2); short protein forms C254F, C86F, C89F, C192F, C200F, C57F.
Identifiers: ClinVar variation 1749477 (VCV001749477.2), dbSNP rs772404945, ClinGen allele CA366744059.

ClinVar aggregate classification (germline): Uncertain significance (1 of 4 stars; one submission).

Conditions:
Hereditary cancer-predisposing syndrome. Also called: Hereditary Cancer Syndrome; Hereditary neoplastic syndrome; Neoplastic Syndromes, Hereditary; Tumor predisposition. Identifiers: Orphanet 140162, MedGen C0027672, MeSH D009386, MONDO:0015356.

Submission:

Ambry Genetics
Classification: Uncertain significance for Hereditary cancer-predisposing syndrome. Last evaluated: 2020-08-27. Review status: criteria provided, single submitter. Criteria: Ambry Variant Classification Scheme 2023. Collection method: clinical testing. Allele origin: germline.
Comment: The p.C192F variant (also known as c.575G>T), located in coding exon 6 of the PMS2 gene, results from a G to T substitution at nucleotide position 575. The cysteine at codon 192 is replaced by phenylalanine, an amino acid with highly dissimilar properties. This amino acid position is highly conserved in available vertebrate species. In addition, this alteration is predicted to be deleterious by in silico analysis. Since supporting evidence is limited at this time, the clinical significance of this alteration remains unclear.